The following is an entry in ClinVar:

ClinVar aggregate classification (germline): Pathogenic (1 of 4 stars; one submission).

Submission:

Labcorp Genetics (formerly Invitae), Labcorp
Classification: Pathogenic. Last evaluated: 2025-01-19. Review status: criteria provided, single submitter. Criteria: Invitae Variant Classification Sherloc (09022015). Collection method: clinical testing. Allele origin: germline.
Comment: This sequence change creates a premature translational stop signal (p.Lys1055Asnfs*2) in the NSD1 gene. It is expected to result in an absent or disrupted protein product. Loss-of-function variants in NSD1 are known to be pathogenic (PMID: 12464997, 14571271, 15942875, 16247291). This variant is not present in population databases (gnomAD no frequency). This variant has not been reported in the literature in individuals affected with NSD1-related conditions. For these reasons, this variant has been classified as Pathogenic.

Literature cited by the submitters: PubMed 12464997; PubMed 14571271; PubMed 15942875; PubMed 16247291.

NM_022455.5(NSD1):c.3165del (p.Lys1055fs)

Gene: NSD1 (nuclear receptor binding SET domain protein 1; plus strand). Cytogenetic location: 5q35.3.
Variant type: Deletion.
Coding change: c.3165del on transcript NM_022455.5 (MANE Select); coding-DNA position 3165, one base deleted (A; older notation c.3165delA).
Protein change: p.Lys1055fs; shifts the reading frame from lysine 1055.
Molecular consequence: frameshift variant.
Genome position (GRCh38, 1-based): chr5:177,211,564, A deleted; the last of 4 consecutive A bases (chr5:177,211,561-177,211,564); deleting any one gives the same sequence. VCF-style (leftmost placement, unchanged base first): chr5-177211560-GA-G. GRCh37 (hg19) VCF-style: chr5-176638561-GA-G.
Other names: c.2292del, p.Lys764fs (NM_001365684.2, NM_001409306.1, NM_001409307.1 and 3 more transcripts); c.3165del, p.Lys1055fs (NM_001409301.1, NM_001409302.1, NM_001409303.1); c.2745del, p.Lys915fs (NM_001409304.1); c.2412del, p.Lys804fs (NM_001409305.1); short protein forms K764fs, K1055fs, K804fs, K915fs.
Identifiers: ClinVar variation 3729211 (VCV003729211.2).
Genomic context (GRCh38, chr5:177,211,560, plus strand): 5'-TTTCAGCCCAAATGGTAAAGAACACAGTGAACCGTAAAGCCTTAAAGACCGAGCGCAAAA[GA>G]AAACTGAATCAGCTTCCAAGTGTGACTCTTGATGCTGTACTGCAGGGAGACCGAGAACGT-3'